The following is an entry in ClinVar:

ClinVar aggregate classification (germline): Conflicting classifications of pathogenicity. Review status: criteria provided, conflicting classifications (1 of 4 stars). 2 submissions from 2 submitters: Uncertain significance (1); Likely benign (1). Last evaluated 2023-03-23.

Conditions:
Hereditary cancer-predisposing syndrome. Also called: Neoplastic Syndromes, Hereditary; Hereditary neoplastic syndrome; Tumor predisposition; Hereditary Cancer Syndrome. Identifiers: Orphanet 140162, MedGen C0027672, MeSH D009386, MONDO:0015356.
Hereditary breast ovarian cancer syndrome. Also called: BRCA1- and BRCA2-Associated Hereditary Breast and Ovarian Cancer; Hereditary breast and ovarian cancer syndrome (HBOC); Hereditary breast and ovarian cancer syndrome; Hereditary breast and ovarian cancer; Breast and ovarian cancer; Hereditary breast and/or ovarian cancer syndrome. Identifiers: Orphanet 145, MedGen C0677776, MeSH D061325, MONDO:0003582. Disease mechanism: loss of function.

Submissions (2):

University of Washington Department of Laboratory Medicine, University of Washington
Classification: Likely benign for Hereditary cancer-predisposing syndrome. Last evaluated: 2023-03-23. Review status: criteria provided, single submitter. Criteria: Dines et al. (Genet Med. 2020). Collection method: curation. Allele origin: germline.
Comment: Missense variant in a coldspot region where missense variants are very unlikely to be pathogenic (PMID:31911673).

BRCA1 coldspot (exon 11 using historical exon numbering). Reclassification based on statistical prior probability

Labcorp Genetics (formerly Invitae), Labcorp
Classification: Uncertain significance for Hereditary breast ovarian cancer syndrome. Last evaluated: 2021-11-12. Review status: criteria provided, single submitter. Criteria: Invitae Variant Classification Sherloc (09022015). Collection method: clinical testing. Allele origin: germline.
Comment: In summary, the available evidence is currently insufficient to determine the role of this variant in disease. Therefore, it has been classified as a Variant of Uncertain Significance. Advanced modeling of protein sequence and biophysical properties (such as structural, functional, and spatial information, amino acid conservation, physicochemical variation, residue mobility, and thermodynamic stability) performed at Invitae indicates that this missense variant is not expected to disrupt BRCA1 protein function. This variant has not been reported in the literature in individuals affected with BRCA1-related conditions. This variant is not present in population databases (gnomAD no frequency). This sequence change replaces glutamic acid, which is acidic and polar, with glycine, which is neutral and non-polar, at codon 402 of the BRCA1 protein (p.Glu402Gly).

NM_007294.4(BRCA1):c.1205A>G (p.Glu402Gly)

Gene: BRCA1 (BRCA1 DNA repair associated; minus strand). Cytogenetic location: 17q21.31.
Variant type: single nucleotide variant.
Coding change: c.1205A>G on transcript NM_007294.4 (MANE Select); coding-DNA position 1205, A replaced by G.
Protein change: p.Glu402Gly; replaces glutamic acid 402 with glycine.
Molecular consequence: missense variant. On other transcripts: intron variant (137).
Genome position (GRCh38, 1-based): chr17:43,094,326, T>C on the plus strand (A>G on the coding strand, the complement: BRCA1 is on the minus strand). VCF-style: chr17-43094326-T-C. GRCh37 (hg19) VCF-style: chr17-41246343-T-C.
Other names: c.992A>G, p.Glu331Gly (NM_001407571.1, NM_001407853.1, NM_001407894.1 and 9 more transcripts); c.1205A>G, p.Glu402Gly (NM_001407581.1, NM_001407582.1, NM_001407583.1 and 30 more transcripts); c.1202A>G, p.Glu401Gly (NM_001407587.1, NM_001407590.1, NM_001407591.1 and 22 more transcripts); c.1196A>G, p.Glu399Gly (NM_001407646.1, NM_001407647.1); c.1082A>G, p.Glu361Gly (NM_001407648.1, NM_001407664.1, NM_001407665.1 and 19 more transcripts); c.1079A>G, p.Glu360Gly (NM_001407649.1, NM_001407670.1, NM_001407671.1 and 11 more transcripts); c.1127A>G, p.Glu376Gly (NM_001407653.1, NM_001407654.1, NM_001407655.1 and 4 more transcripts); c.1124A>G, p.Glu375Gly (NM_001407659.1, NM_001407660.1, NM_001407661.1 and 1 more transcripts); and 40 more; short protein forms E402G, E355G, E274G, E314G, E335G, E375G, E399G, E106G.
Identifiers: ClinVar variation 1392791 (VCV001392791.9), dbSNP rs1555592216, ClinGen allele CA10599641.